The following is an entry in ClinVar:

NM_001009944.3(PKD1):c.8702C>T (p.Pro2901Leu)

Gene: PKD1 (polycystin 1, transient receptor potential channel interacting; minus strand). Cytogenetic location: 16p13.3.
Variant type: single nucleotide variant.
Coding change: c.8702C>T on transcript NM_001009944.3 (MANE Select); coding-DNA position 8702, C replaced by T.
Protein change: p.Pro2901Leu; replaces proline 2901 with leucine.
Molecular consequence: missense variant.
Genome position (GRCh38, 1-based): chr16:2,103,355, G>A on the plus strand (C>T on the coding strand, the complement: PKD1 is on the minus strand). VCF-style: chr16-2103355-G-A. GRCh37 (hg19) VCF-style: chr16-2153356-G-A.
Other names: c.8702C>T, p.Pro2901Leu (NM_000296.4); c.8702C>T (NM_001009944.2); short protein forms P2901L.
Identifiers: ClinVar variation 997269 (VCV000997269.2), dbSNP rs2092181383, ClinGen allele CA394362338.

ClinVar aggregate classification (germline): Uncertain significance. Review status: criteria provided, single submitter (1 of 4 stars). 2 submissions from 2 submitters: Uncertain significance (1). 1 of the submissions does not count toward it. Last evaluated 2023-03-24.

Conditions:
PKD1-related disorder. Also called: PKD1-related condition.
Polycystic kidney disease. Also called: Polycystic kidney dysplasia; Kidney, Polycystic. Identifiers: MedGen C0022680, MeSH D007690, MONDO:0020642, HP:0000113.

Submissions (2):

PreventionGenetics, part of Exact Sciences
Classification: Uncertain significance for PKD1-related condition. Last evaluated: 2023-03-24. Review status: criteria provided, single submitter. Criteria: ACMG Guidelines, 2015. Collection method: clinical testing. Allele origin: germline.
Comment: The PKD1 c.8702C>T variant is predicted to result in the amino acid substitution p.Pro2901Leu. To our knowledge, this variant has not been reported in the literature or in a large population database, indicating this variant is rare. It is listed as variant of uncertain significance in a reputable ADPKD-specific variant database. This variant falls within a highly paralogous region. Allele frequency data should be interpreted with caution. At this time, the clinical significance of this variant is uncertain due to the absence of conclusive functional and genetic evidence.

Department of Pathology and Laboratory Medicine, Sinai Health System
Classification: Uncertain significance for Polycystic Kidney disease. Review status: no assertion criteria provided. Collection method: clinical testing. Allele origin: unknown. Affected: yes. Study: The Canadian Open Genetics Repository (COGR). Not counted in ClinVar's aggregate classification.
Comment: The PKD1 p.Pro2901Leu variant was not identified in the literature nor was it identified in the dbSNP, ClinVar, LOVD 3.0 or PKD1-LOVD databases. It was not identified in the following control databases: the Exome Aggregation Consortium (August 8th 2016) or the Genome Aggregation Database (Feb 27, 2017). It was identified in ADPKD Mutation Database (as indeterminate by Athena Diagnostics). The p.Pro2901 residue is conserved in mammals and computational analyses (PolyPhen-2, SIFT, AlignGVGD, BLOSUM, MutationTaster) provide inconsistent predictions regarding the impact to the protein; this information is not very predictive of pathogenicity. The variant occurs outside of the splicing consensus sequence and in silico or computational prediction software programs (SpliceSiteFinder, MaxEntScan, NNSPLICE, GeneSplicer) do not predict a difference in splicing. In summary, based on the above information, the clinical significance of this variant cannot be determined with certainty at this time. This variant is classified as a variant of uncertain significance.